The following is an entry in ClinVar:

ClinVar aggregate classification (germline): Uncertain significance (1 of 4 stars; one submission).

gnomAD v4.1: 2 of 1,603,402 alleles (0.00012%); highest among the groups gnomAD compares: East Asian, 0.0022%; no homozygotes.

Submission:

GeneDx
Classification: Uncertain significance. Last evaluated: 2024-04-11. Review status: criteria provided, single submitter. Criteria: GeneDx Variant Classification Process June 2021. Collection method: clinical testing. Allele origin: germline. Affected: yes.
Comment: Not observed at significant frequency in large population cohorts (gnomAD); In silico analysis indicates that this missense variant does not alter protein structure/function; Has not been previously published as pathogenic or benign to our knowledge

NM_014915.3(ANKRD26):c.2761A>G (p.Ile921Val)

Gene: ANKRD26 (ankyrin repeat domain containing 26; minus strand). Cytogenetic location: 10p12.1.
Variant type: single nucleotide variant.
Coding change: c.2761A>G on transcript NM_014915.3 (MANE Select); coding-DNA position 2761, A replaced by G.
Protein change: p.Ile921Val; replaces isoleucine 921 with valine.
Molecular consequence: missense variant.
Genome position (GRCh38, 1-based): chr10:27,035,689, T>C on the plus strand (A>G on the coding strand, the complement: ANKRD26 is on the minus strand). VCF-style: chr10-27035689-T-C. GRCh37 (hg19) VCF-style: chr10-27324618-T-C.
Other names: c.2758A>G, p.Ile920Val (NM_001256053.2); short protein forms I920V, I921V.
Identifiers: ClinVar variation 3371946 (VCV003371946.1).